The following is an entry in ClinVar:

ClinVar aggregate classification (germline): Uncertain significance. Review status: criteria provided, multiple submitters, no conflicts (2 of 4 stars). 2 submissions from 2 submitters: Uncertain significance (2). Last evaluated 2024-12-09.

Conditions:
Inborn genetic diseases. Identifiers: MedGen C0950123, MeSH D030342.
Amelocerebrohypohidrotic syndrome (KTZS). Also called: KOHLSCHUTTER SYNDROME; Kohlschutter's syndrome; EPILEPSY AND YELLOW TEETH; EPILEPSY, DEMENTIA, AND AMELOGENESIS IMPERFECTA. Identifiers: Orphanet 1946, MedGen C0406740, MONDO:0009185, OMIM 226750.

Allele frequency attached by ClinVar (database versions not stated): gnomAD 0.00001; TOPMed 0.00005.
gnomAD v4.1: 18 of 1,561,774 alleles (0.0012%); highest among the groups gnomAD compares: East Asian, 0.017%; no homozygotes.

Submissions (2):

Labcorp Genetics (formerly Invitae), Labcorp
Classification: Uncertain significance for Amelocerebrohypohidrotic syndrome. Last evaluated: 2024-12-09. Review status: criteria provided, single submitter. Criteria: Invitae Variant Classification Sherloc (09022015). Collection method: clinical testing. Allele origin: germline.
Comment: This sequence change replaces arginine, which is basic and polar, with glutamine, which is neutral and polar, at codon 103 of the ROGDI protein (p.Arg103Gln). This variant is present in population databases (rs552833661, gnomAD 0.04%). This variant has not been reported in the literature in individuals affected with ROGDI-related conditions. ClinVar contains an entry for this variant (Variation ID: 665401). An algorithm developed to predict the effect of missense changes on protein structure and function (PolyPhen-2) suggests that this variant is likely to be disruptive. In summary, the available evidence is currently insufficient to determine the role of this variant in disease. Therefore, it has been classified as a Variant of Uncertain Significance.

Ambry Genetics
Classification: Uncertain significance for Inborn genetic diseases. Last evaluated: 2023-11-02. Review status: criteria provided, single submitter. Criteria: Ambry Variant Classification Scheme 2023. Collection method: clinical testing. Allele origin: germline.

NM_024589.3(ROGDI):c.308G>A (p.Arg103Gln)

Gene: ROGDI (rogdi atypical leucine zipper; minus strand). Cytogenetic location: 16p13.3.
Variant type: single nucleotide variant.
Coding change: c.308G>A on transcript NM_024589.3 (MANE Select); coding-DNA position 308, G replaced by A.
Protein change: p.Arg103Gln; replaces arginine 103 with glutamine.
Molecular consequence: missense variant. On other transcripts: non-coding transcript variant (1).
Genome position (GRCh38, 1-based): chr16:4,800,526, C>T on the plus strand (G>A on the coding strand, the complement: ROGDI is on the minus strand). VCF-style: chr16-4800526-C-T. GRCh37 (hg19) VCF-style: chr16-4850527-C-T.
Other names: c.308G>A (NM_024589.1); short protein forms R103Q.
Identifiers: ClinVar variation 665401 (VCV000665401.11), dbSNP rs552833661, ClinGen allele CA7882801.
Genomic context (GRCh38, chr16:4,800,526, plus strand): 5'-GGCTGAGCACTAGCCAGGAGGGGCGGGGTCACCTGCTGCAGCTTCCACTGCTTGTCCTCC[C>T]GGAAGGCGAAGTGCAGCAGCTGGTTGTTCCGGGGCATCTTCAGGTTCACATCCTGACAGG-3'
Protein context (NP_078865.1, residues 93-113): RNNQLLHFAF[Arg103Gln]EDKQWKLQQI